The following is an entry in ClinVar:

ClinVar aggregate classification (germline): Uncertain significance (1 of 4 stars; one submission).

Allele frequency attached by ClinVar (database versions not stated): TOPMed 0.00001.
gnomAD v4.1: 1 of 1,614,218 alleles (0.000062%); highest among the groups gnomAD compares: Non-Finnish European, 0.000085%; no homozygotes.

Submission:

Labcorp Genetics (formerly Invitae), Labcorp
Classification: Uncertain significance. Last evaluated: 2023-05-22. Review status: criteria provided, single submitter. Criteria: Invitae Variant Classification Sherloc (09022015). Collection method: clinical testing. Allele origin: germline.
Comment: This sequence change replaces serine, which is neutral and polar, with asparagine, which is neutral and polar, at codon 178 of the CSF1R protein (p.Ser178Asn). This variant is not present in population databases (gnomAD no frequency). This missense change has been observed in individual(s) with clinical features of hereditary diffuse leukoencephalopathy with spheroids (PMID: 25943890). ClinVar contains an entry for this variant (Variation ID: 1504507). Advanced modeling of protein sequence and biophysical properties (such as structural, functional, and spatial information, amino acid conservation, physicochemical variation, residue mobility, and thermodynamic stability) performed at Invitae indicates that this missense variant is not expected to disrupt CSF1R protein function. In summary, the available evidence is currently insufficient to determine the role of this variant in disease. Therefore, it has been classified as a Variant of Uncertain Significance.

Literature cited by the submitters: PubMed 25943890.

NM_001288705.3(CSF1R):c.533G>A (p.Ser178Asn)

Gene: CSF1R (colony stimulating factor 1 receptor; minus strand). Cytogenetic location: 5q32.
Variant type: single nucleotide variant.
Coding change: c.533G>A on transcript NM_001288705.3 (MANE Select); coding-DNA position 533, G replaced by A.
Protein change: p.Ser178Asn; replaces serine 178 with asparagine.
Molecular consequence: missense variant. On other transcripts: non-coding transcript variant (2).
Genome position (GRCh38, 1-based): chr5:150,080,111, C>T on the plus strand (G>A on the coding strand, the complement: CSF1R is on the minus strand). VCF-style: chr5-150080111-C-T. GRCh37 (hg19) VCF-style: chr5-149459674-C-T.
Other names: c.533G>A, p.Ser178Asn (NM_001349736.2, NM_001375320.1, NM_005211.4); c.89G>A, p.Ser30Asn (NM_001375321.1); short protein forms S30N, S178N.
Identifiers: ClinVar variation 1504507 (VCV001504507.6), dbSNP rs1228085120, ClinGen allele CA361732915.